The following is an entry in ClinVar:

ClinVar aggregate classification (germline): Likely pathogenic (1 of 4 stars; one submission).

Conditions:
Mitochondrial complex I deficiency, nuclear type 16. Also called: Mitochondrial complex 1 deficiency, nuclear type 16. Identifiers: MedGen C4748785, MONDO:0032621, OMIM 618238.

Submission:

Unidad de Genómica Garrahan, Hospital de Pediatría Garrahan
Classification: Likely pathogenic for Mitochondrial complex I deficiency, nuclear type 16. Last evaluated: 2024-01-26. Review status: criteria provided, single submitter. Criteria: ACMG Guidelines, 2015. Collection method: clinical testing. Allele origin: paternal. Inheritance: Autosomal recessive inheritance. Affected: yes. Clinical features observed: Motor regression (HP:0033044), Hemiparesis (HP:0001269), Generalized dystonia (HP:0007325), Cognitive regression (HP:0034332), Focal T2 hyperintense basal ganglia lesion (HP:0007183).
Comment: The NDUFAF5 gene encodes a mitochondrial matrix-associated protein that is essential for the assembly of mitochondrial Complex I. Although some phenotypic heterogeneity has been described, biallelic pathogenic variants in NDUFAF5 are known to cause autosomal recessive mitochondrial Complex I deficiency (OMIM #618238; PMID: 34797029). A heterozygous missense variant, NM_024120.5:c.614A>C, located in exon 7 of NDUFAF5, was identified. This variant is predicted to result in the amino acid substitution Glutamic Acid to Alanine p.(Glu205Ala). To our knowledge, this variant has not been reported in population databases or disease-specific variant databases. In silico prediction tools support a deleterious effect on protein function (REVEL score: 0.87). The NM_024120.5:c.614A>C variant has been identified in two unrelated patients evaluated in our laboratory, both presenting with clinical features consistent with NDUFAF5 -associated mitochondrial disease. In both cases, the variant was detected in the heterozygous state together with the likely pathogenic splice-site variant NM_024120.5:c.223-2A>G. Both variants were confirmed in the probands by Sanger sequencing. Individuals harboring compound heterozygous NDUFAF5 variants with a similar clinical presentation have previously been reported (PMIDs: 29581464, 34964562). A paternal sample was not available for segregation analysis. The identification of the NM_024120.5:c.614A>C (p.Glu205Ala) variant in two unrelated individuals with a highly consistent phenotype, each carrying the same likely pathogenic splice-site variant NM_024120.5:c.223-2A>G, provides additional evidence supporting the clinical significance of p.(Glu205Ala). LP(PM2moderate, PM3moderate, PP3moderate)

Literature cited by the submitters: PubMed 34797029; PubMed 29581464; PubMed 34964562.

NM_024120.5(NDUFAF5):c.614A>C (p.Glu205Ala)

Gene: NDUFAF5 (NADH:ubiquinone oxidoreductase complex assembly factor 5; plus strand). Cytogenetic location: 20p12.1.
Variant type: single nucleotide variant.
Coding change: c.614A>C on transcript NM_024120.5 (MANE Select); coding-DNA position 614, A replaced by C.
Protein change: p.Glu205Ala; replaces glutamic acid 205 with alanine.
Molecular consequence: missense variant. On other transcripts: non-coding transcript variant (7).
Genome position (GRCh38, 1-based): chr20:13,801,580, A>C. VCF-style: chr20-13801580-A-C. GRCh37 (hg19) VCF-style: chr20-13782226-A-C.
Other names: c.530A>C, p.Glu177Ala (NM_001039375.3); c.143A>C, p.Glu48Ala (NM_001352403.2); c.53A>C, p.Glu18Ala (NM_001352406.2, NM_001352407.2); c.614A>C, p.Glu205Ala (NM_001352408.2); short protein forms E177A, E18A, E205A, E48A.
Identifiers: ClinVar variation 4850499 (VCV004850499.3).